The following is an entry in ClinVar:

NM_001365693.1(MGAM):c.6906G>C (p.Gln2302His)

Gene: MGAM (maltase-glucoamylase; plus strand). Cytogenetic location: 7q34.
Variant type: single nucleotide variant.
Coding change: c.6906G>C on transcript NM_001365693.1 (MANE Select); coding-DNA position 6906, G replaced by C.
Protein change: p.Gln2302His; replaces glutamine 2302 with histidine.
Molecular consequence: missense variant. On other transcripts: intron variant (1).
Genome position (GRCh38, 1-based): chr7:142,092,008, G>C. VCF-style: chr7-142092008-G-C. GRCh37 (hg19) VCF-style: chr7-141791808-G-C.
Other names: c.4619-2612G>C (NM_004668.3); short protein forms Q2302H.
Identifiers: ClinVar variation 4978094 (VCV004978094.1).
Genomic context (GRCh38, chr7:142,092,008, plus strand): 5'-CCGTAATTCAACTGCCAAGTGGTGGAAGAGGGAAATAGAAGAACTATACAACAATCCACA[G>C]AATCCAGAGAGGAGCTTGAAGTTTGATGGCATGTGGATTGTAAGTGTGTGTGTGTCTCTG-3'
Protein context (NP_001352622.1, residues 2292-2312): REIEELYNNP[Gln2302His]NPERSLKFDG

ClinVar aggregate classification (germline): Likely benign (1 of 4 stars; one submission).

Conditions:
MGAM-related disorder. Also called: MGAM-related condition.

gnomAD v4.1: 358 of 1,534,550 alleles (0.023%); highest among the groups gnomAD compares: African/African-American, 0.39%; 11 homozygotes.

Submission:

PreventionGenetics, part of Exact Sciences
Classification: Likely benign for MGAM-related condition. Last evaluated: 2025-01-14. Review status: criteria provided, single submitter. Criteria: ACMG Guidelines, 2015. Collection method: clinical testing. Allele origin: germline.
Comment: This variant is classified as likely benign based on ACMG/AMP sequence variant interpretation guidelines (Richards et al. 2015 PMID: 25741868, with internal and published modifications).